The following is an entry in ClinVar:

ClinVar aggregate classification (germline): Uncertain significance (1 of 4 stars; one submission).

Conditions:
Dilated cardiomyopathy 1G (CMD1G). Identifiers: Orphanet 154, MedGen C1858763, MONDO:0011400, OMIM 604145.
Autosomal recessive limb-girdle muscular dystrophy type 2J (LGMDR10). Also called: Limb-girdle muscular dystrophy, type 2J; MUSCULAR DYSTROPHY, LIMB-GIRDLE, AUTOSOMAL RECESSIVE 10. Identifiers: Orphanet 140922, MedGen C1837342, MONDO:0012127, OMIM 608807.

Submission:

Labcorp Genetics (formerly Invitae), Labcorp
Classification: Uncertain significance for Dilated cardiomyopathy 1G; Autosomal recessive limb-girdle muscular dystrophy type 2J. Last evaluated: 2024-02-29. Review status: criteria provided, single submitter. Criteria: Invitae Variant Classification Sherloc (09022015). Collection method: clinical testing. Allele origin: germline.
Comment: This sequence change replaces phenylalanine, which is neutral and non-polar, with leucine, which is neutral and non-polar, at codon 34905 of the TTN protein (p.Phe34905Leu). This variant is not present in population databases (gnomAD no frequency). This variant has not been reported in the literature in individuals affected with TTN-related conditions. ClinVar contains an entry for this variant (Variation ID: 1481546). Experimental studies and prediction algorithms are not available or were not evaluated, and the functional significance of this variant is currently unknown. This variant is located in the M band of TTN (PMID: 25589632). Non-truncating variants in this region may be relevant for neuromuscular disorders, but have not been definitively shown to cause cardiomyopathy (PMID: 23975875). In summary, the available evidence is currently insufficient to determine the role of this variant in disease. Therefore, it has been classified as a Variant of Uncertain Significance.

Literature cited by the submitters: PubMed 25589632; PubMed 23975875.

NM_001267550.2(TTN):c.104713T>C (p.Phe34905Leu)

Genes: TTN (titin; minus strand), TTN-AS1 (TTN antisense RNA 1; plus strand). Cytogenetic location: 2q31.2.
Variant type: single nucleotide variant.
Coding change: c.104713T>C on transcript NM_001267550.2 (MANE Select); coding-DNA position 104713, T replaced by C.
Protein change: p.Phe34905Leu; replaces phenylalanine 34905 with leucine.
Molecular consequence: missense variant.
Genome position (GRCh38, 1-based): chr2:178,531,902, A>G on the plus strand (T>C on the coding strand, the complement: TTN is on the minus strand). VCF-style: chr2-178531902-A-G. GRCh37 (hg19) VCF-style: chr2-179396629-A-G.
Other names: c.99790T>C, p.Phe33264Leu (NM_001256850.1); c.77518T>C, p.Phe25840Leu (NM_003319.4); c.97009T>C, p.Phe32337Leu (NM_133378.4); c.77893T>C, p.Phe25965Leu (NM_133432.3); c.78094T>C, p.Phe26032Leu (NM_133437.4); short protein forms F25965L, F25840L, F26032L, F33264L, F34905L, F32337L.
Identifiers: ClinVar variation 1481546 (VCV001481546.6), dbSNP rs2154133865, ClinGen allele CA349411091.